The following is an entry in ClinVar:

NC_000006.11:g.(?_162394314)_(162475226_?)del

Gene: PRKN (parkin RBR E3 ubiquitin protein ligase; minus strand). Cytogenetic location: 6q26.
Variant type: Deletion.
Identifiers: ClinVar variation 3246182 (VCV003246182.1).

ClinVar aggregate classification (germline): Pathogenic (1 of 4 stars; one submission).

Submission:

Labcorp Genetics (formerly Invitae), Labcorp
Classification: Pathogenic. Last evaluated: 2023-09-27. Review status: criteria provided, single submitter. Criteria: Invitae Variant Classification Sherloc (09022015). Collection method: clinical testing. Allele origin: unknown.
Comment: This variant is a gross deletion of the genomic region encompassing exon(s) 5-6 of the PRKN gene. This deletion is out-of-frame, and is expected to create a premature termination codon and result in an absent or disrupted protein product. Loss-of-function variants in PRKN are known to be pathogenic (PMID: 10072423, 20301651, 22956510). A similar copy number variant has been observed in individual(s) with autosomal recessive early-onset Parkinson's disease (PMID: 10824074, 21993715, 27182553, 28672806). In at least one individual the data is consistent with being in trans (on the opposite chromosome) from a pathogenic variant. For these reasons, this variant has been classified as Pathogenic.

Literature cited by the submitters: PubMed 10072423; PubMed 20301651; PubMed 22956510; PubMed 10824074; PubMed 21993715; PubMed 27182553; PubMed 28672806.